The following is an entry in ClinVar:

ClinVar aggregate classification (germline): Benign. Review status: criteria provided, multiple submitters, no conflicts (2 of 4 stars). 6 submissions from 6 submitters: Benign (6). Last evaluated 2026-02-02.

Conditions:
Anterior segment dysgenesis 7 (ASGD7). Also called: Anterior segment dysgenesis 7, with sclerocornea; SCLEROCORNEA WITH OTHER OCULAR ANOMALIES. Identifiers: Orphanet 289499, MedGen C3151617, MONDO:0010015, OMIM 269400.

Allele frequency attached by ClinVar (database versions not stated): ESP Exome Variant Server 0.86344; gnomAD 0.86660 and 0.87319; TOPMed 0.87195; 1000 Genomes Project 30x 0.90459; 1000 Genomes Project 0.90775.
gnomAD v4.1: 1,445,136 of 1,613,732 alleles (90%); highest among the groups gnomAD compares: East Asian, 100%; 648,234 homozygotes.

Submissions (6):

Labcorp Genetics (formerly Invitae), Labcorp
Classification: Benign for Anterior segment dysgenesis 7. Last evaluated: 2026-02-02. Review status: criteria provided, single submitter. Criteria: Invitae Variant Classification Sherloc (09022015). Collection method: clinical testing. Allele origin: germline.

Blueprint Genetics
Classification: Benign. Last evaluated: 2024-11-26. Review status: criteria provided, single submitter. Criteria: ACMG Guidelines, 2015. Collection method: clinical testing. Allele origin: germline.

Genome-Nilou Lab
Classification: Benign for Anterior segment dysgenesis 7. Last evaluated: 2021-07-14. Review status: criteria provided, single submitter. Criteria: ACMG Guidelines, 2015. Collection method: clinical testing. Allele origin: germline. Affected: no.

GeneDx
Classification: Benign. Last evaluated: 2018-03-24. Review status: criteria provided, single submitter. Criteria: GeneDx Variant Classification (06012015). Collection method: clinical testing. Allele origin: germline. Affected: yes.
Comment: This variant is considered likely benign or benign based on one or more of the following criteria: it is a conservative change, it occurs at a poorly conserved position in the protein, it is predicted to be benign by multiple in silico algorithms, and/or has population frequency not consistent with disease.

Breakthrough Genomics
Classification: Benign. Review status: criteria provided, single submitter. Criteria: ACMG Guidelines, 2015. Collection method: not provided. Allele origin: germline. Inheritance: Autosomal recessive inheritance. Affected: yes.

PreventionGenetics, part of Exact Sciences
Classification: Benign. Review status: criteria provided, single submitter. Criteria: ACMG Guidelines, 2015. Collection method: clinical testing. Allele origin: germline.

NM_012293.3(PXDN):c.3921A>G (p.Val1307=)

Gene: PXDN (peroxidasin; minus strand). Cytogenetic location: 2p25.3.
Variant type: single nucleotide variant.
Coding change: c.3921A>G on transcript NM_012293.3 (MANE Select); coding-DNA position 3921, A replaced by G.
Protein change: p.Val1307=; no amino-acid change (valine 1307 retained).
Molecular consequence: synonymous variant.
Genome position (GRCh38, 1-based): chr2:1,643,399, T>C on the plus strand (A>G on the coding strand, the complement: PXDN is on the minus strand). VCF-style: chr2-1643399-T-C. GRCh37 (hg19) VCF-style: chr2-1647171-T-C.
Identifiers: ClinVar variation 260228 (VCV000260228.16), dbSNP rs6730800, ClinGen allele CA1512580.
Genomic context (GRCh38, chr2:1,643,399, plus strand): 5'-GGAACAGACATGGTGCCCCTGGCACGCACCTTCACAGCAGTCCTGCCACACCCGGAGGTC[T>C]ACCCTGGGGATCTCGTCACAGCTGCCGTAGCCGTGAGGGAACTCCGCCACCCTGAACACG-3'
Protein context (NP_036425.1, residues 1297-1317): GYGSCDEIPR[Val1307=]DLRVWQDCCE